The following is an entry in ClinVar:

ClinVar aggregate classification (germline): Likely pathogenic. Review status: criteria provided, multiple submitters, no conflicts (2 of 4 stars). 3 submissions from 3 submitters: Likely pathogenic (2). 1 of the submissions does not count toward it. Last evaluated 2024-09-16.

Conditions:
Amyotrophic lateral sclerosis type 22 (FTDALS9). Also called: FRONTOTEMPORAL DEMENTIA AND/OR AMYOTROPHIC LATERAL SCLEROSIS 9; Amyotrophic lateral sclerosis 22 with or without frontotemporal dementia. Identifiers: Orphanet 803, MedGen C4015512, MONDO:0014531, OMIM 616208.

Allele frequency attached by ClinVar (database versions not stated): gnomAD exomes 0.00001; gnomAD 0.00001; TOPMed 0.00002; ESP Exome Variant Server 0.00008; ExAC 0.00001.

Submissions (3):

Department of Human Genetics, Hannover Medical School
Classification: Likely pathogenic for Amyotrophic lateral sclerosis type 22. Last evaluated: 2024-09-16. Review status: criteria provided, single submitter. Criteria: ACMG Guidelines, 2015. Collection method: clinical testing. Allele origin: germline. Inheritance: Autosomal dominant inheritance. Affected: yes.

Juno Genomics, Hangzhou Juno Genomics, Inc
Classification: Likely pathogenic for Amyotrophic lateral sclerosis type 22. Review status: criteria provided, single submitter. Criteria: ACMG Guidelines, 2015. Collection method: clinical testing. Allele origin: germline.
Comment: Absent from controls (or at extremely low frequency if recessive) in Genome Aggregation Database.;Missense variant in a gene that has a low rate of benign missense variation.;Well-established in vitro or in vivo functional studies supportive of a damaging effect on the gene or gene product.;The prevalence of the variant in affected individuals is significantly increased compared to the prevalence in controls.;Patient's phenotype or family history is highly specific for a disease with a single genetic etiology.

OMIM
Classification: Pathogenic for FRONTOTEMPORAL DEMENTIA AND/OR AMYOTROPHIC LATERAL SCLEROSIS 9. Last evaluated: 2014-10-22. Review status: no assertion criteria provided. Collection method: literature only. Allele origin: germline. Not counted in ClinVar's aggregate classification.

Literature cited by the submitters: PubMed 25374358 (cited by OMIM).

NM_006000.3(TUBA4A):c.1147G>A (p.Ala383Thr)

Gene: TUBA4A (tubulin alpha 4a; minus strand). Cytogenetic location: 2q35.
Variant type: single nucleotide variant.
Coding change: c.1147G>A on transcript NM_006000.3 (MANE Select); coding-DNA position 1147, G replaced by A.
Protein change: p.Ala383Thr; replaces alanine 383 with threonine.
Molecular consequence: missense variant.
Genome position (GRCh38, 1-based): chr2:219,250,552, C>T on the plus strand (G>A on the coding strand, the complement: TUBA4A is on the minus strand). VCF-style: chr2-219250552-C-T. GRCh37 (hg19) VCF-style: chr2-220115274-C-T.
Other names: c.1102G>A, p.Ala368Thr (NM_001278552.2); short protein forms A383T, A368T.
Identifiers: ClinVar variation 180186 (VCV000180186.6), dbSNP rs368743618, ClinGen allele CA185904.